The following is an entry in ClinVar:

ClinVar aggregate classification (germline): Uncertain significance. Review status: criteria provided, multiple submitters, no conflicts (2 of 4 stars). 2 submissions from 2 submitters: Uncertain significance (2). Last evaluated 2026-01-06.

Conditions:
NRL-related disorder. Also called: NRL-related condition.

Allele frequency attached by ClinVar (database versions not stated): gnomAD 0.00001; TOPMed 0.00006; ESP Exome Variant Server 0.00015.
gnomAD v4.1: 69 of 1,614,088 alleles (0.0043%); highest among the groups gnomAD compares: Non-Finnish European, 0.0058%; no homozygotes.

Submissions (2):

PreventionGenetics, part of Exact Sciences
Classification: Uncertain significance for NRL-related condition. Last evaluated: 2026-01-06. Review status: criteria provided, single submitter. Criteria: ACMG Guidelines, 2015. Collection method: clinical testing. Allele origin: germline.
Comment: The NRL c.103C>A variant is predicted to result in the amino acid substitution p.Pro35Thr. This variant was reported in an individual with retinal or optic nerve disease (Table S12, Diñeiro et al. 2020. PubMed ID: 32483926). This variant is reported in 0.010% of alleles in individuals of European (Non-Finnish) descent in gnomAD. At this time, the clinical significance of this variant is uncertain due to the absence of conclusive functional and genetic evidence.

Labcorp Genetics (formerly Invitae), Labcorp
Classification: Uncertain significance. Last evaluated: 2024-05-24. Review status: criteria provided, single submitter. Criteria: Invitae Variant Classification Sherloc (09022015). Collection method: clinical testing. Allele origin: germline.
Comment: This sequence change replaces proline, which is neutral and non-polar, with threonine, which is neutral and polar, at codon 35 of the NRL protein (p.Pro35Thr). This variant is present in population databases (rs374903210, gnomAD 0.009%). This missense change has been observed in individual(s) with inherited retinal dystrophy (PMID: 32483926). ClinVar contains an entry for this variant (Variation ID: 946967). An algorithm developed to predict the effect of missense changes on protein structure and function (PolyPhen-2) suggests that this variant is likely to be tolerated. In summary, the available evidence is currently insufficient to determine the role of this variant in disease. Therefore, it has been classified as a Variant of Uncertain Significance.

Literature cited by the submitters: PubMed 32483926 (cited by Labcorp Genetics (formerly Invitae), Labcorp).

NM_001354768.3(NRL):c.103C>A (p.Pro35Thr)

Gene: NRL (neural retina leucine zipper; minus strand). Cytogenetic location: 14q11.2.
Variant type: single nucleotide variant.
Coding change: c.103C>A on transcript NM_001354768.3 (MANE Select); coding-DNA position 103, C replaced by A.
Protein change: p.Pro35Thr; replaces proline 35 with threonine.
Molecular consequence: missense variant. On other transcripts: intron variant (1).
Genome position (GRCh38, 1-based): chr14:24,082,746, G>T on the plus strand (C>A on the coding strand, the complement: NRL is on the minus strand). VCF-style: chr14-24082746-G-T. GRCh37 (hg19) VCF-style: chr14-24551955-G-T.
Other names: c.103C>A, p.Pro35Thr (NM_001354769.1, NM_006177.5); c.66+37C>A (NM_001354770.2); short protein forms P35T.
Identifiers: ClinVar variation 946967 (VCV000946967.8), dbSNP rs374903210, ClinGen allele CA7122924.
Genomic context (GRCh38, chr14:24,082,746, plus strand): 5'-CACTGAAGGTGGGTGAAGGAGGCACTGAGCTGTAAGGTGTGGAGCCCAGTGAGGCTGTAG[G>T]GGGGCCAGGTCGGCCCTCAGAGGGTTCCCGCTTTACCTCAAACTTCATCAAGTCAAAGTC-3'
Protein context (NP_001341697.1, residues 25-45): REPSEGRPGP[Pro35Thr]TASLGSTPYS